The following is an entry in ClinVar:

NM_025144.4(ALPK1):c.2530A>G (p.Ile844Val)

Gene: ALPK1 (alpha kinase 1; plus strand). Cytogenetic location: 4q25.
Variant type: single nucleotide variant.
Coding change: c.2530A>G on transcript NM_025144.4 (MANE Select); coding-DNA position 2530, A replaced by G.
Protein change: p.Ile844Val; replaces isoleucine 844 with valine.
Molecular consequence: missense variant.
Genome position (GRCh38, 1-based): chr4:112,432,077, A>G. VCF-style: chr4-112432077-A-G. GRCh37 (hg19) VCF-style: chr4-113353233-A-G.
Other names: c.2530A>G, p.Ile844Val (NM_001102406.2); c.2296A>G, p.Ile766Val (NM_001253884.2); short protein forms I766V, I844V.
Identifiers: ClinVar variation 3623393 (VCV003623393.2).

ClinVar aggregate classification (germline): Uncertain significance (1 of 4 stars; one submission).

gnomAD v4.1: 4 of 1,614,136 alleles (0.00025%); highest among the groups gnomAD compares: Non-Finnish European, 0.00034%; no homozygotes.

Submission:

Labcorp Genetics (formerly Invitae), Labcorp
Classification: Uncertain significance. Last evaluated: 2024-11-05. Review status: criteria provided, single submitter. Criteria: Invitae Variant Classification Sherloc (09022015). Collection method: clinical testing. Allele origin: germline.
Comment: This sequence change replaces isoleucine, which is neutral and non-polar, with valine, which is neutral and non-polar, at codon 844 of the ALPK1 protein (p.Ile844Val). This variant is not present in population databases (gnomAD no frequency). This variant has not been reported in the literature in individuals affected with ALPK1-related conditions. Invitae Evidence Modeling of protein sequence and biophysical properties (such as structural, functional, and spatial information, amino acid conservation, physicochemical variation, residue mobility, and thermodynamic stability) indicates that this missense variant is not expected to disrupt ALPK1 protein function with a negative predictive value of 80%. In summary, the available evidence is currently insufficient to determine the role of this variant in disease. Therefore, it has been classified as a Variant of Uncertain Significance.